The following is an entry in ClinVar:

ClinVar aggregate classification (germline): Uncertain significance (1 of 4 stars; one submission).

Submission:

Ambry Genetics
Classification: Uncertain significance. Last evaluated: 2023-05-02. Review status: criteria provided, single submitter. Criteria: Ambry Variant Classification Scheme 2023. Collection method: clinical testing. Allele origin: germline.
Comment: The p.L559V variant (also known as c.1675T>G), located in coding exon 11 of the POLQ gene, results from a T to G substitution at nucleotide position 1675. The leucine at codon 559 is replaced by valine, an amino acid with highly similar properties. This amino acid position is conserved. In addition, this alteration is predicted to be tolerated by in silico analysis. Since supporting evidence is limited at this time, the clinical significance of this alteration remains unclear.

NM_199420.4(POLQ):c.1675T>G (p.Leu559Val)

Gene: POLQ (DNA polymerase theta; minus strand). Cytogenetic location: 3q13.33.
Variant type: single nucleotide variant.
Coding change: c.1675T>G on transcript NM_199420.4 (MANE Select); coding-DNA position 1675, T replaced by G.
Protein change: p.Leu559Val; replaces leucine 559 with valine.
Molecular consequence: missense variant.
Genome position (GRCh38, 1-based): chr3:121,510,180, A>C on the plus strand (T>G on the coding strand, the complement: POLQ is on the minus strand). VCF-style: chr3-121510180-A-C. GRCh37 (hg19) VCF-style: chr3-121229027-A-C.
Other names: short protein forms L559V.
Identifiers: ClinVar variation 2563819 (VCV002563819.2), dbSNP rs2546802678, ClinGen allele CA354115085.